The following is an entry in ClinVar:

ClinVar aggregate classification (germline): Uncertain significance. Review status: criteria provided, multiple submitters, no conflicts (2 of 4 stars). 2 submissions from 2 submitters: Uncertain significance (2). Last evaluated 2025-07-31.

Conditions:
Familial cancer of breast. Also called: hereditary breast carcinoma; BREAST CANCER, FAMILIAL; Hereditary breast cancer. Identifiers: Orphanet 227535, MedGen C0346153, MONDO:0016419, OMIM 114480. Disease mechanism: loss of function.
Hereditary cancer-predisposing syndrome. Also called: Neoplastic Syndromes, Hereditary; Hereditary Cancer Syndrome; Tumor predisposition; Hereditary neoplastic syndrome. Identifiers: Orphanet 140162, MedGen C0027672, MeSH D009386, MONDO:0015356.

Submissions (2):

Labcorp Genetics (formerly Invitae), Labcorp
Classification: Uncertain significance for Familial cancer of breast. Last evaluated: 2025-07-31. Review status: criteria provided, single submitter. Criteria: Invitae Variant Classification Sherloc (09022015). Collection method: clinical testing. Allele origin: germline.
Comment: This sequence change replaces leucine, which is neutral and non-polar, with phenylalanine, which is neutral and non-polar, at codon 417 of the CHEK2 protein (p.Leu417Phe). This variant is not present in population databases (gnomAD no frequency). This variant has not been reported in the literature in individuals affected with CHEK2-related conditions. ClinVar contains an entry for this variant (Variation ID: 945284). An algorithm developed to predict the effect of missense changes on protein structure and function (PolyPhen-2) suggests that this variant is likely to be disruptive. In summary, the available evidence is currently insufficient to determine the role of this variant in disease. Therefore, it has been classified as a Variant of Uncertain Significance.

Ambry Genetics
Classification: Uncertain significance for Hereditary cancer-predisposing syndrome. Last evaluated: 2020-02-11. Review status: criteria provided, single submitter. Criteria: Ambry Variant Classification Scheme 2023. Collection method: clinical testing. Allele origin: germline.
Comment: The p.L417F variant (also known as c.1249C>T), located in coding exon 10 of the CHEK2 gene, results from a C to T substitution at nucleotide position 1249. The leucine at codon 417 is replaced by phenylalanine, an amino acid with highly similar properties. This amino acid position is highly conserved in available vertebrate species. In addition, this alteration is predicted to be deleterious by in silico analysis. Since supporting evidence is limited at this time, the clinical significance of this alteration remains unclear.

NM_007194.4(CHEK2):c.1249C>T (p.Leu417Phe)

Gene: CHEK2 (checkpoint kinase 2; minus strand). Cytogenetic location: 22q12.1.
Variant type: single nucleotide variant.
Coding change: c.1249C>T on transcript NM_007194.4 (MANE Select); coding-DNA position 1249, C replaced by T.
Protein change: p.Leu417Phe; replaces leucine 417 with phenylalanine.
Molecular consequence: missense variant.
Genome position (GRCh38, 1-based): chr22:28,695,720, G>A on the plus strand (C>T on the coding strand, the complement: CHEK2 is on the minus strand). VCF-style: chr22-28695720-G-A. GRCh37 (hg19) VCF-style: chr22-29091708-G-A.
Other names: c.1378C>T, p.Leu460Phe (NM_001005735.3); c.586C>T, p.Leu196Phe (NM_001257387.3); c.1048C>T, p.Leu350Phe (NM_001349956.3); c.1162C>T, p.Leu388Phe (NM_145862.3); short protein forms L350F, L388F, L460F, L196F, L417F.
Identifiers: ClinVar variation 945284 (VCV000945284.13), dbSNP rs2052548069, ClinGen allele CA411096542.